The following is an entry in ClinVar:

ClinVar aggregate classification (germline): Uncertain significance. Review status: criteria provided, multiple submitters, no conflicts (2 of 4 stars). 3 submissions from 3 submitters: Uncertain significance (2). 1 of the submissions does not count toward it. Last evaluated 2024-09-21.

Conditions:
Atypical endometrial hyperplasia. Identifiers: MedGen C0349579, MONDO:0006096.
Familial melanoma. Also called: Hereditary melanoma; Hereditary cutaneous melanoma. Identifiers: Orphanet 618, MedGen C1512419, MONDO:0018961.
Hereditary cancer-predisposing syndrome. Also called: Hereditary Cancer Syndrome; Hereditary neoplastic syndrome; Tumor predisposition; Neoplastic Syndromes, Hereditary. Identifiers: Orphanet 140162, MedGen C0027672, MeSH D009386, MONDO:0015356.

Allele frequency attached by ClinVar (database versions not stated): gnomAD exomes below 0.00001.
gnomAD v4.1: 1 of 1,597,544 alleles (0.000063%); highest among the groups gnomAD compares: Non-Finnish European, 0.000085%; no homozygotes.

Submissions (3):

Labcorp Genetics (formerly Invitae), Labcorp
Classification: Uncertain significance for Familial melanoma. Last evaluated: 2024-09-21. Review status: criteria provided, single submitter. Criteria: Invitae Variant Classification Sherloc (09022015). Collection method: clinical testing. Allele origin: germline.
Comment: The CDKN2A gene encodes two different proteins, p16INK4a and p14ARF, which are translated from alternative transcripts with different open reading frames. Both transcripts have been analyzed. We report either the variant with the higher classification or default to the CDKN2A (p16INK4a) variant. This report therefore includes the details for the CDKN2A (p16INK4a) variant. This sequence change replaces valine, which is neutral and non-polar, with methionine, which is neutral and non-polar, at codon 59 of the CDKN2A (p16INK4a) protein (p.Val59Met). This variant is not present in population databases (gnomAD no frequency). This variant has not been reported in the literature in individuals affected with CDKN2A (p16INK4a)-related conditions. This variant is also known as c.218G>A (p.Ser73Asn) in the CDKN2A (p14ARF) transcript. ClinVar contains an entry for this variant (Variation ID: 1007891). An algorithm developed to predict the effect of missense changes on protein structure and function (PolyPhen-2) suggests that this variant is likely to be tolerated. This variant disrupts the p.Val59 amino acid residue in CDKN2A (p16INK4a). Other variant(s) that disrupt this residue have been determined to be pathogenic (PMID: 9425228, 12700603, 15146471, 19799798, 21893440, 22841127). This suggests that this residue is clinically significant, and that variants that disrupt this residue are likely to be disease-causing. In summary, the available evidence is currently insufficient to determine the role of this variant in disease. Therefore, it has been classified as a Variant of Uncertain Significance.

Ambry Genetics
Classification: Uncertain significance for Hereditary cancer-predisposing syndrome. Last evaluated: 2021-12-20. Review status: criteria provided, single submitter. Criteria: Ambry Variant Classification Scheme 2023. Collection method: clinical testing. Allele origin: germline.
Comment: The p.V59M variant (also known as c.175G>A), located in coding exon 2 of the CDKN2A gene, results from a G to A substitution at nucleotide position 175. The valine at codon 59 is replaced by methionine, an amino acid with highly similar properties. This amino acid position is well conserved in available vertebrate species. In addition, this alteration is predicted to be tolerated by in silico analysis. Since supporting evidence is limited at this time, the clinical significance of this alteration remains unclear.

Martignetti Lab, Icahn School of Medicine at Mount Sinai
Classification: association for Atypical endometrial hyperplasia. Review status: no assertion criteria provided. Collection method: research. Allele origin: somatic. Affected: yes. Not counted in ClinVar's aggregate classification.

Literature cited by the submitters: PubMed 9425228 (cited by Labcorp Genetics (formerly Invitae), Labcorp); PubMed 12700603 (cited by Labcorp Genetics (formerly Invitae), Labcorp); PubMed 15146471 (cited by Labcorp Genetics (formerly Invitae), Labcorp); PubMed 19799798 (cited by Labcorp Genetics (formerly Invitae), Labcorp); PubMed 21893440 (cited by Labcorp Genetics (formerly Invitae), Labcorp); PubMed 22841127 (cited by Labcorp Genetics (formerly Invitae), Labcorp).

NM_000077.5(CDKN2A):c.175G>A (p.Val59Met)

Gene: CDKN2A (cyclin dependent kinase inhibitor 2A; minus strand). Cytogenetic location: 9p21.3.
Variant type: single nucleotide variant.
Coding change: c.175G>A on transcript NM_000077.5; coding-DNA position 175, G replaced by A.
Protein change: p.Val59Met; replaces valine 59 with methionine.
Molecular consequence: missense variant (on NM_000077.6). On other transcripts: 3 prime UTR variant (1).
Genome position (GRCh38, 1-based): chr9:21,971,184, C>T on the plus strand (G>A on the coding strand, the complement: CDKN2A is on the minus strand). VCF-style: chr9-21971184-C-T. GRCh37 (hg19) VCF-style: chr9-21971183-C-T.
Other names: c.175G>A, p.Val59Met (NM_000077.6, NM_001195132.2); c.22G>A, p.Val8Met (NM_001363763.2); c.218G>A, p.Ser73Asn (NM_058195.4); c.*98G>A (NM_058197.5); short protein forms S73N, V59M, V8M.
Identifiers: ClinVar variation 1007891 (VCV001007891.12), dbSNP rs1819723898, ClinGen allele CA373086406.